The following is an entry in ClinVar:

NM_001127208.3(TET2):c.3940del (p.Asp1314fs)

Genes: TET2 (tet methylcytosine dioxygenase 2; plus strand), TET2-AS1 (TET2 antisense RNA 1; minus strand). Cytogenetic location: 4q24.
Variant type: Deletion.
Coding change: c.3940del on transcript NM_001127208.3 (MANE Select); coding-DNA position 3940, one base deleted (G; older notation c.3940delG).
Protein change: p.Asp1314fs; shifts the reading frame from aspartic acid 1314.
Molecular consequence: frameshift variant.
Genome position (GRCh38, 1-based): chr4:105,259,755, G deleted; the last of 4 consecutive G bases (chr4:105,259,752-105,259,755); deleting any one gives the same sequence. VCF-style (leftmost placement, unchanged base first): chr4-105259751-TG-T. GRCh37 (hg19) VCF-style: chr4-106180908-TG-T.
Other names: short protein forms D1314fs.
Identifiers: ClinVar variation 2028159 (VCV002028159.4), dbSNP rs2476623472, ClinGen allele CA645522580.
Genomic context (GRCh38, chr4:105,259,751, plus strand): 5'-CATGTACTACAATGGATGTAAGTTTGCCAGAAGCAAGATCCCAAGGAAGTTTAAGCTGCT[TG>T]GGGATGACCCAAAAGAGGTTTGTTTACTTCCTGATGTATAATCGCTTTATTTTTCATAGA-3'

ClinVar aggregate classification (germline): Pathogenic (1 of 4 stars; one submission).

Submission:

Labcorp Genetics (formerly Invitae), Labcorp
Classification: Pathogenic. Last evaluated: 2024-02-23. Review status: criteria provided, single submitter. Criteria: Invitae Variant Classification Sherloc (09022015). Collection method: clinical testing. Allele origin: germline.
Comment: This sequence change creates a premature translational stop signal (p.Asp1314Metfs*49) in the TET2 gene. It is expected to result in an absent or disrupted protein product. Loss-of-function variants in TET2 are known to be pathogenic (PMID: 36066697). This variant is not present in population databases (gnomAD no frequency). This variant has not been reported in the literature in individuals affected with TET2-related conditions. ClinVar contains an entry for this variant (Variation ID: 2028159). For these reasons, this variant has been classified as Pathogenic.

Literature cited by the submitters: PubMed 36066697.